The following is an entry in ClinVar:

NM_032977.4(CASP10):c.1352A>G (p.His451Arg)

Gene: CASP10 (caspase 10; plus strand). Cytogenetic location: 2q33.1.
Variant type: single nucleotide variant.
Coding change: c.1352A>G on transcript NM_032977.4 (MANE Select); coding-DNA position 1352, A replaced by G.
Protein change: p.His451Arg; replaces histidine 451 with arginine.
Molecular consequence: missense variant. On other transcripts: 3 prime UTR variant (1).
Genome position (GRCh38, 1-based): chr2:201,209,499, A>G. VCF-style: chr2-201209499-A-G. GRCh37 (hg19) VCF-style: chr2-202074222-A-G.
Other names: c.1151A>G, p.His384Arg (NM_001206524.2); c.1223A>G, p.His408Arg (NM_001206542.2, NM_001230.5); c.1352A>G, p.His451Arg (NM_032974.5); c.*438A>G (NM_032976.4); short protein forms H384R, H451R, H408R.
Identifiers: ClinVar variation 4782504 (VCV004782504.1).

ClinVar aggregate classification (germline): Uncertain significance (1 of 4 stars; one submission).

Conditions:
Autoimmune lymphoproliferative syndrome type 2A (ALPS2A). Also called: CASP10-Related Autoimmune Lymphoproliferative Syndrome; AUTOIMMUNE LYMPHOPROLIFERATIVE SYNDROME, TYPE IIA; Autoimmune lymphoproliferative syndrome type 2. Identifiers: Orphanet 3261, MedGen C1858968, MONDO:0011383, OMIM 603909.

Submission:

Labcorp Genetics (formerly Invitae), Labcorp
Classification: Uncertain significance for Autoimmune lymphoproliferative syndrome type 2A. Last evaluated: 2025-07-06. Review status: criteria provided, single submitter. Criteria: Invitae Variant Classification Sherloc (09022015). Collection method: clinical testing. Allele origin: germline.
Comment: This sequence change replaces histidine, which is basic and polar, with arginine, which is basic and polar, at codon 451 of the CASP10 protein (p.His451Arg). This variant is not present in population databases (gnomAD no frequency). This variant has not been reported in the literature in individuals affected with CASP10-related conditions. Invitae Evidence Modeling of protein sequence and biophysical properties (such as structural, functional, and spatial information, amino acid conservation, physicochemical variation, residue mobility, and thermodynamic stability) indicates that this missense variant is not expected to disrupt CASP10 protein function with a negative predictive value of 80%. In summary, the available evidence is currently insufficient to determine the role of this variant in disease. Therefore, it has been classified as a Variant of Uncertain Significance.